The following is an entry in ClinVar:

ClinVar aggregate classification (germline): Uncertain significance (1 of 4 stars; one submission).

gnomAD v4.1: 4 of 1,614,028 alleles (0.00025%); highest among the groups gnomAD compares: Non-Finnish European, 0.00034%; no homozygotes.

Submission:

GeneDx
Classification: Uncertain significance. Last evaluated: 2024-02-04. Review status: criteria provided, single submitter. Criteria: GeneDx Variant Classification Process June 2021. Collection method: clinical testing. Allele origin: germline. Affected: yes.
Comment: Not observed at significant frequency in large population cohorts (gnomAD); In silico analysis supports that this missense variant does not alter protein structure/function; Has not been previously published as pathogenic or benign to our knowledge

NM_020987.5(ANK3):c.5548G>A (p.Ala1850Thr)

Gene: ANK3 (ankyrin 3; minus strand). Cytogenetic location: 10q21.2.
Variant type: single nucleotide variant.
Coding change: c.5548G>A on transcript NM_020987.5 (MANE Select); coding-DNA position 5548, G replaced by A.
Protein change: p.Ala1850Thr; replaces alanine 1850 with threonine.
Molecular consequence: missense variant. On other transcripts: intron variant (4).
Genome position (GRCh38, 1-based): chr10:60,075,333, C>T on the plus strand (G>A on the coding strand, the complement: ANK3 is on the minus strand). VCF-style: chr10-60075333-C-T. GRCh37 (hg19) VCF-style: chr10-61835091-C-T.
Other names: c.4387+5204G>A (NM_001204403.2); c.4408+5204G>A (NM_001204404.2); c.4405+5204G>A (NM_001320874.2); c.1807+5204G>A (NM_001149.4); short protein forms A1850T.
Identifiers: ClinVar variation 3368849 (VCV003368849.1).